The following is an entry in ClinVar:

NM_198076.6(COX20):c.222G>T (p.Trp74Cys)

Gene: COX20 (cytochrome c oxidase assembly factor COX20; plus strand). Cytogenetic location: 1q44.
Variant type: single nucleotide variant.
Coding change: c.222G>T on transcript NM_198076.6 (MANE Select); coding-DNA position 222, G replaced by T.
Protein change: p.Trp74Cys; replaces tryptophan 74 with cysteine.
Molecular consequence: missense variant. On other transcripts: 3 prime UTR variant (1), non-coding transcript variant (3).
Genome position (GRCh38, 1-based): chr1:244,843,041, G>T. VCF-style: chr1-244843041-G-T. GRCh37 (hg19) VCF-style: chr1-245006343-G-T.
Other names: W74C; c.222G>T, p.Trp74Cys (NM_001312871.1); c.258G>T, p.Trp86Cys (NM_001312872.1); c.87G>T, p.Trp29Cys (NM_001312873.1); c.*32G>T (NM_001312874.1); short protein forms W29C, W86C.
Identifiers: ClinVar variation 1339430 (VCV001339430.3), dbSNP rs766397584, ClinGen allele CA1486170.

ClinVar aggregate classification (germline): Pathogenic. Review status: criteria provided, single submitter (1 of 4 stars). 2 submissions from 2 submitters: Pathogenic (1). 1 of the submissions does not count toward it. Last evaluated 2026-03-10.

Conditions:
Mitochondrial complex IV deficiency, nuclear type 11. Also called: Mitochondrial complex 4 deficiency, nuclear type 11. Identifiers: MedGen C5436694, MONDO:0033645, OMIM 619054.

Allele frequency attached by ClinVar (database versions not stated): TOPMed below 0.00001; ExAC 0.00001; gnomAD 0.00001.
gnomAD v4.1: 3 of 1,542,966 alleles (0.00019%); highest among the groups gnomAD compares: East Asian, 0.007%; no homozygotes.

Submissions (2):

Women's Health and Genetics/Laboratory Corporation of America, LabCorp
Classification: Pathogenic for Mitochondrial complex IV deficiency, nuclear type 11. Last evaluated: 2026-03-10. Review status: criteria provided, single submitter. Criteria: LabCorp Variant Classification Summary - May 2015. Collection method: clinical testing. Allele origin: germline.
Comment: Variant summary: COX20 c.222G>T (p.Trp74Cys) results in a non-conservative amino acid change in the encoded protein sequence. Algorithms developed to predict the effect of missense changes on protein structure and function all suggest that this variant is likely to be disruptive. The variant allele was found at a frequency of 3.2e-05 in 31376 control chromosomes (gnomAD). c.222G>T has been observed in multiple individuals affected with clinical features of Mitochondrial Complex 4 Deficiency, Nuclear Type 11 and this variant co-segregated with the disease (Xu_2019, Dong_2021, Li_2022). These data indicate that the variant is very likely to be associated with disease. To our knowledge, no experimental evidence demonstrating an impact on protein function has been reported. The following publications have been ascertained in the context of this evaluation (PMID: 33751098, 35651336, 31079202). ClinVar contains an entry for this variant (Variation ID: 1339430). Based on the evidence outlined above, the variant was classified as pathogenic.

OMIM
Classification: Pathogenic for MITOCHONDRIAL COMPLEX IV DEFICIENCY, NUCLEAR TYPE 11. Last evaluated: 2023-04-06. Review status: no assertion criteria provided. Collection method: literature only. Allele origin: germline. Not counted in ClinVar's aggregate classification.

Literature cited by the submitters: PubMed 33751098 (cited by Women's Health and Genetics/Laboratory Corporation of America, LabCorp and OMIM); PubMed 35651336 (cited by Women's Health and Genetics/Laboratory Corporation of America, LabCorp); PubMed 31079202 (cited by Women's Health and Genetics/Laboratory Corporation of America, LabCorp and OMIM).